The following is an entry in ClinVar:

NM_001145809.2(MYH14):c.656C>T (p.Ala219Val)

Gene: MYH14 (myosin heavy chain 14; plus strand). Cytogenetic location: 19q13.33.
Variant type: single nucleotide variant.
Coding change: c.656C>T on transcript NM_001145809.2 (MANE Select); coding-DNA position 656, C replaced by T.
Protein change: p.Ala219Val; replaces alanine 219 with valine.
Molecular consequence: missense variant.
Genome position (GRCh38, 1-based): chr19:50,223,312, C>T. VCF-style: chr19-50223312-C-T. GRCh37 (hg19) VCF-style: chr19-50726569-C-T.
Other names: c.656C>T, p.Ala219Val (NM_001077186.2, NM_024729.4); short protein forms A219V.
Identifiers: ClinVar variation 2502116 (VCV002502116.1), dbSNP rs1218831809, ClinGen allele CA406950927.
Genomic context (GRCh38, chr19:50,223,312, plus strand): 5'-AGTCTGGAGCTGGGAAGACGGAAAACACCAAGAAGGTCATCCAGTACCTCGCCCACGTGG[C>T]GTCGTCTCCAAAGGGCAGGAAGGAGCCGGGTGTCCCCGTAAGCAACCCCGCCTTGGGTCA-3'
Protein context (NP_001139281.1, residues 209-229): KKVIQYLAHV[Ala219Val]SSPKGRKEPG

ClinVar aggregate classification (germline): Uncertain significance (1 of 4 stars; one submission).

Allele frequency attached by ClinVar (database versions not stated): gnomAD exomes below 0.00001.
gnomAD v4.1: 3 of 1,597,314 alleles (0.00019%); highest among the groups gnomAD compares: Non-Finnish European, 0.00026%; no homozygotes.

Submission:

GeneDx
Classification: Uncertain significance. Last evaluated: 2022-11-15. Review status: criteria provided, single submitter. Criteria: GeneDx Variant Classification Process June 2021. Collection method: clinical testing. Allele origin: germline. Affected: yes.
Comment: In silico analysis supports that this missense variant has a deleterious effect on protein structure/function; Has not been previously published as pathogenic or benign to our knowledge